The following is an entry in ClinVar:

NM_000153.4(GALC):c.1114G>A (p.Ala372Thr)

Gene: GALC (galactosylceramidase; minus strand). Cytogenetic location: 14q31.3.
Variant type: single nucleotide variant.
Coding change: c.1114G>A on transcript NM_000153.4 (MANE Select); coding-DNA position 1114, G replaced by A.
Protein change: p.Ala372Thr; replaces alanine 372 with threonine.
Molecular consequence: missense variant.
Genome position (GRCh38, 1-based): chr14:87,963,431, C>T on the plus strand (G>A on the coding strand, the complement: GALC is on the minus strand). VCF-style: chr14-87963431-C-T. GRCh37 (hg19) VCF-style: chr14-88429775-C-T.
Other names: c.1045G>A, p.Ala349Thr (NM_001201401.2); c.1036G>A, p.Ala346Thr (NM_001201402.2); short protein forms A346T, A349T, A372T.
Identifiers: ClinVar variation 990190 (VCV000990190.7), dbSNP rs759286485, ClinGen allele CA7297147.
Genomic context (GRCh38, chr14:87,963,431, plus strand): 5'-AACAAAAGTTTACCATGGTTTCAATGATGATGGTGAGGTTCCCTAAGCCATCAGTCAGAG[C>T]TACGTAGCTTCCTCCTTTCTCTAAATGGCCAACTGTCTTCAGGTAATACCAGCCAGGTTG-3'
Protein context (NP_000144.2, residues 362-382): GHLEKGGSYV[Ala372Thr]LTDGLGNLTI

ClinVar aggregate classification (germline): Uncertain significance. Review status: criteria provided, multiple submitters, no conflicts (2 of 4 stars). 3 submissions from 3 submitters: Uncertain significance (2). 1 of the submissions does not count toward it. Last evaluated 2026-01-27.

Conditions:
Galactosylceramide beta-galactosidase deficiency. Also called: Krabbe Disease; GALACTOCEREBROSIDASE DEFICIENCY; GALC DEFICIENCY; GLOBOID CELL LEUKOENCEPHALOPATHY; Leukodystrophy, Globoid Cell. Identifiers: Orphanet 487, MedGen C0023521, MONDO:0009499, OMIM 245200.

Allele frequency attached by ClinVar (database versions not stated): TOPMed 0.00009.
gnomAD v4.1: 30 of 1,613,334 alleles (0.0019%); highest among the groups gnomAD compares: Admixed American, 0.025%; no homozygotes.

Submissions (3):

Labcorp Genetics (formerly Invitae), Labcorp
Classification: Uncertain significance for Galactosylceramide beta-galactosidase deficiency. Last evaluated: 2026-01-27. Review status: criteria provided, single submitter. Criteria: Invitae Variant Classification Sherloc (09022015). Collection method: clinical testing. Allele origin: germline.
Comment: This sequence change replaces alanine, which is neutral and non-polar, with threonine, which is neutral and polar, at codon 372 of the GALC protein (p.Ala372Thr). This variant is present in population databases (rs759286485, gnomAD 0.003%). This variant has not been reported in the literature in individuals affected with GALC-related conditions. ClinVar contains an entry for this variant (Variation ID: 990190). Invitae Evidence Modeling of protein sequence and biophysical properties (such as structural, functional, and spatial information, amino acid conservation, physicochemical variation, residue mobility, and thermodynamic stability) has been performed for this missense variant. However, the output from this modeling did not meet the statistical confidence thresholds required to predict the impact of this variant on GALC protein function. In summary, the available evidence is currently insufficient to determine the role of this variant in disease. Therefore, it has been classified as a Variant of Uncertain Significance.

Fulgent Genetics
Classification: Uncertain significance for Galactosylceramide beta-galactosidase deficiency. Last evaluated: 2021-08-17. Review status: criteria provided, single submitter. Criteria: ACMG Guidelines, 2015. Collection method: clinical testing. Allele origin: unknown.

Natera, Inc.
Classification: Uncertain significance for Galactosylceramide beta-galactosidase deficiency. Last evaluated: 2020-04-18. Review status: no assertion criteria provided. Collection method: clinical testing. Allele origin: germline. Not counted in ClinVar's aggregate classification.